The following is an entry in ClinVar:

ClinVar aggregate classification (germline): Uncertain significance. Review status: criteria provided, multiple submitters, no conflicts (2 of 4 stars). 2 submissions from 2 submitters: Uncertain significance (2). Last evaluated 2024-10-29.

Conditions:
Hypertrophic cardiomyopathy. Also called: HYPERTROPHIC MYOCARDIOPATHY. Identifiers: Orphanet 217569, MedGen C0007194, MeSH D002312, MONDO:0005045, HP:0001639.

Allele frequency attached by ClinVar (database versions not stated): gnomAD exomes below 0.00001.
gnomAD v4.1: 2 of 1,614,106 alleles (0.00012%); highest among the groups gnomAD compares: Non-Finnish European, 0.00017%; no homozygotes.

Submissions (2):

Labcorp Genetics (formerly Invitae), Labcorp
Classification: Uncertain significance for Hypertrophic cardiomyopathy. Last evaluated: 2024-10-29. Review status: criteria provided, single submitter. Criteria: Invitae Variant Classification Sherloc (09022015). Collection method: clinical testing. Allele origin: germline.
Comment: This sequence change replaces leucine, which is neutral and non-polar, with tryptophan, which is neutral and slightly polar, at codon 96 of the TNNI3 protein (p.Leu96Trp). This variant is not present in population databases (gnomAD no frequency). This variant has not been reported in the literature in individuals affected with TNNI3-related conditions. ClinVar contains an entry for this variant (Variation ID: 3251426). An algorithm developed to predict the effect of missense changes on protein structure and function (PolyPhen-2) suggests that this variant is likely to be disruptive. In summary, the available evidence is currently insufficient to determine the role of this variant in disease. Therefore, it has been classified as a Variant of Uncertain Significance.

Women's Health and Genetics/Laboratory Corporation of America, LabCorp
Classification: Uncertain significance. Last evaluated: 2024-04-08. Review status: criteria provided, single submitter. Criteria: LabCorp Variant Classification Summary - May 2015. Collection method: clinical testing. Allele origin: germline.
Comment: Variant summary: TNNI3 c.287T>G (p.Leu96Trp) results in a non-conservative amino acid change in the encoded protein sequence. Five of five in-silico tools predict a damaging effect of the variant on protein function. The variant was absent in 249396 control chromosomes. The available data on variant occurrences in the general population are insufficient to allow any conclusion about variant significance. To our knowledge, no occurrence of c.287T>G in individuals affected with Cardiomyopathy and no experimental evidence demonstrating its impact on protein function have been reported. No submitters have cited clinical-significance assessments for this variant to ClinVar. Based on the evidence outlined above, the variant was classified as uncertain significance.

NM_000363.5(TNNI3):c.287T>G (p.Leu96Trp)

Gene: TNNI3 (troponin I3, cardiac type; minus strand). Cytogenetic location: 19q13.42.
Variant type: single nucleotide variant.
Coding change: c.287T>G on transcript NM_000363.5 (MANE Select); coding-DNA position 287, T replaced by G.
Protein change: p.Leu96Trp; replaces leucine 96 with tryptophan.
Molecular consequence: missense variant.
Genome position (GRCh38, 1-based): chr19:55,154,826, A>C on the plus strand (T>G on the coding strand, the complement: TNNI3 is on the minus strand). VCF-style: chr19-55154826-A-C. GRCh37 (hg19) VCF-style: chr19-55666194-A-C.
Other names: short protein forms L96W.
Identifiers: ClinVar variation 3251426 (VCV003251426.3), dbSNP rs2515499645.